The following is an entry in ClinVar:

NM_001283009.2(RTEL1):c.3863A>G (p.Lys1288Arg)

Genes: RTEL1 (regulator of telomere elongation helicase 1; plus strand), RTEL1-TNFRSF6B (RTEL1-TNFRSF6B readthrough (NMD candidate); plus strand). Cytogenetic location: 20q13.33.
Variant type: single nucleotide variant.
Coding change: c.3863A>G on transcript NM_001283009.2 (MANE Select); coding-DNA position 3863, A replaced by G.
Protein change: p.Lys1288Arg; replaces lysine 1288 with arginine.
Molecular consequence: missense variant. On other transcripts: non-coding transcript variant (1), 3 prime UTR variant (3).
Genome position (GRCh38, 1-based): chr20:63,695,818, A>G. VCF-style: chr20-63695818-A-G. GRCh37 (hg19) VCF-style: chr20-62327171-A-G.
Other names: c.*33A>G (NM_001283010.1, NM_016434.4, NM_032957.5); short protein forms K1288R.
Identifiers: ClinVar variation 2948691 (VCV002948691.3), dbSNP rs2517207087, ClinGen allele CA409710490.

ClinVar aggregate classification (germline): Uncertain significance (1 of 4 stars; one submission).

Conditions:
Dyskeratosis congenita, autosomal recessive 5 (DKCB5). Identifiers: MedGen C3554656, MONDO:0014076, OMIM 615190.
Pulmonary fibrosis and/or bone marrow failure, Telomere-related, 3. Also called: PULMONARY FIBROSIS AND/OR BONE MARROW FAILURE SYNDROME, TELOMERE-RELATED, 3. Identifiers: Orphanet 2032, MedGen C4225346, MONDO:0014613, OMIM 616373.

Submission:

Labcorp Genetics (formerly Invitae), Labcorp
Classification: Uncertain significance for Dyskeratosis congenita, autosomal recessive 5; Pulmonary fibrosis and/or bone marrow failure, Telomere-related, 3. Last evaluated: 2023-06-09. Review status: criteria provided, single submitter. Criteria: Invitae Variant Classification Sherloc (09022015). Collection method: clinical testing. Allele origin: germline.
Comment: In summary, the available evidence is currently insufficient to determine the role of this variant in disease. Therefore, it has been classified as a Variant of Uncertain Significance. An algorithm developed to predict the effect of missense changes on protein structure and function (PolyPhen-2) suggests that this variant is likely to be tolerated. This variant has not been reported in the literature in individuals affected with RTEL1-related conditions. This variant is not present in population databases (gnomAD no frequency). This sequence change replaces lysine, which is basic and polar, with arginine, which is basic and polar, at codon 1288 of the RTEL1 protein (p.Lys1288Arg).